The following is an entry in ClinVar:

ClinVar aggregate classification (germline): Likely pathogenic (1 of 4 stars; one submission).

Submission:

CeGaT Center for Human Genetics Tuebingen
Classification: Likely pathogenic. Last evaluated: 2024-08-01. Review status: criteria provided, single submitter. Criteria: CeGaT Center For Human Genetics Tuebingen Variant Classification Criteria Version 2. Collection method: clinical testing. Allele origin: germline. Affected: yes. Observed: 1 variant allele.
Comment: LGI1: PVS1:Strong, PM2

NM_005097.4(LGI1):c.674-1G>A

Gene: LGI1 (leucine rich glioma inactivated 1; plus strand). Cytogenetic location: 10q23.33.
Variant type: single nucleotide variant.
Coding change: c.674-1G>A on transcript NM_005097.4 (MANE Select); the canonical splice acceptor site of the intron before coding-DNA position 674, G replaced by A.
Molecular consequence: splice acceptor variant.
Genome position (GRCh38, 1-based): chr10:93,793,185, G>A. VCF-style: chr10-93793185-G-A. GRCh37 (hg19) VCF-style: chr10-95552942-G-A.
Other names: c.674-1G>A (NM_001308275.2); c.530-1G>A (NM_001308276.2).
Identifiers: ClinVar variation 3342040 (VCV003342040.16).
Genomic context (GRCh38, chr10:93,793,185, plus strand): 5'-AAGATCTAGCCAAGGAAAGAGGTATTAGCTCACAGTTACTTATTATTTCCTATTTTTGCA[G>A]AATTTGCAAAGTCTCAAGACCTGCCTTATCAATCATTGTCCATAGACACTTTTTCTTATT-3'